The following is an entry in ClinVar:

NM_020964.3(EPG5):c.4532C>T (p.Ala1511Val)

Gene: EPG5 (ectopic P-granules 5 autophagy tethering factor; minus strand). Cytogenetic location: 18q21.1.
Variant type: single nucleotide variant.
Coding change: c.4532C>T on transcript NM_020964.3 (MANE Select); coding-DNA position 4532, C replaced by T.
Protein change: p.Ala1511Val; replaces alanine 1511 with valine.
Molecular consequence: missense variant.
Genome position (GRCh38, 1-based): chr18:45,901,110, G>A on the plus strand (C>T on the coding strand, the complement: EPG5 is on the minus strand). VCF-style: chr18-45901110-G-A. GRCh37 (hg19) VCF-style: chr18-43481075-G-A.
Other names: short protein forms A1511V.
Identifiers: ClinVar variation 673502 (VCV000673502.17), dbSNP rs1893523, ClinGen allele CA8948828.

ClinVar aggregate classification (germline): Benign. Review status: criteria provided, multiple submitters, no conflicts (2 of 4 stars). 6 submissions from 6 submitters: Benign (6). Last evaluated 2026-02-04.

Conditions:
Vici syndrome (VICIS). Identifiers: Orphanet 1493, MedGen C1855772, MONDO:0009452, OMIM 242840.

Allele frequency attached by ClinVar (database versions not stated): gnomAD exomes 0.17352 and 0.23732; ESP Exome Variant Server 0.22543; ExAC 0.23318; gnomAD 0.25513 and 0.25621; TOPMed 0.26969; 1000 Genomes Project 0.32029; 1000 Genomes Project 30x 0.32214.
gnomAD v4.1: 293,148 of 1,613,770 alleles (18%); highest among the groups gnomAD compares: African/African-American, 41%; 32,642 homozygotes.

Submissions (6):

Labcorp Genetics (formerly Invitae), Labcorp
Classification: Benign for Vici syndrome. Last evaluated: 2026-02-04. Review status: criteria provided, single submitter. Criteria: Invitae Variant Classification Sherloc (09022015). Collection method: clinical testing. Allele origin: germline.

Blueprint Genetics
Classification: Benign. Last evaluated: 2024-11-28. Review status: criteria provided, single submitter. Criteria: ACMG Guidelines, 2015. Collection method: clinical testing. Allele origin: germline.

Unidad de Genómica Garrahan, Hospital de Pediatría Garrahan
Classification: Benign. Last evaluated: 2024-01-24. Review status: criteria provided, single submitter. Criteria: ACMG Guidelines, 2015. Collection method: clinical testing. Allele origin: germline. Affected: no. Observed: 51 variant alleles.
Comment: This variant is classified as Benign based on local population frequency. This variant was detected in 54% of patients studied by a panel of primary immunodeficiencies. Number of patients: 51. Only high quality variants are reported.

Genome-Nilou Lab
Classification: Benign for Vici syndrome. Last evaluated: 2021-07-30. Review status: criteria provided, single submitter. Criteria: ACMG Guidelines, 2015. Collection method: clinical testing. Allele origin: germline. Affected: no.

GeneDx
Classification: Benign. Last evaluated: 2018-04-02. Review status: criteria provided, single submitter. Criteria: GeneDx Variant Classification (06012015). Collection method: clinical testing. Allele origin: germline. Affected: yes.
Comment: This variant is considered likely benign or benign based on one or more of the following criteria: it is a conservative change, it occurs at a poorly conserved position in the protein, it is predicted to be benign by multiple in silico algorithms, and/or has population frequency not consistent with disease.

Breakthrough Genomics
Classification: Benign. Review status: criteria provided, single submitter. Criteria: ACMG Guidelines, 2015. Collection method: not provided. Allele origin: germline. Inheritance: Autosomal recessive inheritance. Affected: yes.